The following is an entry in ClinVar:

ClinVar aggregate classification (germline): Conflicting classifications of pathogenicity. Review status: criteria provided, conflicting classifications (1 of 4 stars). 5 submissions from 5 submitters: Uncertain significance (2); Likely benign (3). Last evaluated 2026-03-12.

Conditions:
Inborn genetic diseases. Identifiers: MedGen C0950123, MeSH D030342.
Intellectual disability, CASK-related, X-linked. Identifiers: MedGen CN043158.

Allele frequency attached by ClinVar (database versions not stated): gnomAD 0.00004; gnomAD exomes 0.00004; TOPMed 0.00005; ExAC 0.00006; ESP Exome Variant Server 0.00028.
gnomAD v4.1: 58 of 1,209,912 alleles (0.0048%); highest among the groups gnomAD compares: African/African-American, 0.007%; no homozygotes.

Submissions (5):

Women's Health and Genetics/Laboratory Corporation of America, LabCorp
Classification: Uncertain significance. Last evaluated: 2026-03-12. Review status: criteria provided, single submitter. Criteria: LabCorp Variant Classification Summary - May 2015. Collection method: clinical testing. Allele origin: germline.
Comment: Variant summary: CASK c.2455C>T (p.Arg819Trp) results in a non-conservative amino acid change in the encoded protein sequence. Algorithms developed to predict the effect of missense changes on protein structure and function all suggest that this variant is likely to be disruptive. The variant allele was found at a frequency of 4.8e-05 in 1209912 control chromosomes. This frequency is not significantly higher than estimated for disease-causing variants in CASK, however it was found in 19 hemizygotes in gnomAD, suggesting it is unlikely to be associated with a highly penetrant, severe, early onset phenotype. To our knowledge, no occurrence of c.2455C>T in individuals affected with CASK-related conditions and no experimental evidence demonstrating its impact on protein function have been reported. ClinVar contains an entry for this variant (Variation ID: 590126). Based on the evidence outlined above, the variant was classified as VUS-possibly benign.

Labcorp Genetics (formerly Invitae), Labcorp
Classification: Likely benign for Intellectual disability, CASK-related, X-linked. Last evaluated: 2025-04-02. Review status: criteria provided, single submitter. Criteria: Invitae Variant Classification Sherloc (09022015). Collection method: clinical testing. Allele origin: germline.

Ambry Genetics
Classification: Likely benign for Inborn genetic diseases. Last evaluated: 2024-10-29. Review status: criteria provided, single submitter. Criteria: Ambry Variant Classification Scheme 2023. Collection method: clinical testing. Allele origin: germline.

GeneDx
Classification: Likely benign. Last evaluated: 2020-03-26. Review status: criteria provided, single submitter. Criteria: GeneDx Variant Classification Process June 2021. Collection method: clinical testing. Allele origin: germline. Affected: yes.
Comment: In silico analysis, which includes protein predictors and evolutionary conservation, supports a deleterious effect; Has not been previously published as pathogenic or benign to our knowledge; Observed in 0.004% (8/200477 alleles) in large population cohorts (Lek et al., 2016); This variant is associated with the following publications: (PMID: 24893065)

Revvity Omics, Revvity
Classification: Uncertain significance. Last evaluated: 2019-10-10. Review status: criteria provided, single submitter. Criteria: ACMG Guidelines, 2015. Collection method: clinical testing. Allele origin: germline.

NM_001367721.1(CASK):c.2470C>T (p.Arg824Trp)

Gene: CASK (calcium/calmodulin dependent serine protein kinase; minus strand). Cytogenetic location: Xp11.4.
Variant type: single nucleotide variant.
Coding change: c.2470C>T on transcript NM_001367721.1 (MANE Select); coding-DNA position 2470, C replaced by T.
Protein change: p.Arg824Trp; replaces arginine 824 with tryptophan.
Molecular consequence: missense variant.
Genome position (GRCh38, 1-based): chrX:41,531,057, G>A on the plus strand (C>T on the coding strand, the complement: CASK is on the minus strand). VCF-style: chrX-41531057-G-A. GRCh37 (hg19) VCF-style: chrX-41390310-G-A.
Other names: c.2386C>T, p.Arg796Trp (NM_001126054.3); c.2383C>T, p.Arg795Trp (NM_001126055.3); c.2452C>T, p.Arg818Trp (NM_001410745.1); c.2455C>T, p.Arg819Trp (NM_003688.4); short protein forms R819W, R796W, R824W, R795W, R818W.
Identifiers: ClinVar variation 590126 (VCV000590126.21), dbSNP rs369792621, ClinGen allele CA10390019.